The following is an entry in ClinVar:

NM_016121.5(KCTD3):c.1139-9_1139-8insAAA

Gene: KCTD3 (potassium channel tetramerization domain containing 3; plus strand). Cytogenetic location: 1q41.
Variant type: Insertion.
Coding change: c.1139-9_1139-8insAAA on transcript NM_016121.5 (MANE Select); 9 bases into the intron before coding-DNA position 1139 through 8 bases into the intron before coding-DNA position 1139, AAA inserted.
Molecular consequence: intron variant.
Genome position: GRCh38 VCF-style: chr1-215604123-T-TAAA. GRCh37 (hg19) VCF-style: chr1-215777465-T-TAAA.
Other names: c.1139-9_1139-8insAAA (NM_016121.4, NM_001319294.2); c.833-9_833-8insAAA (NM_001319295.2).
Identifiers: ClinVar variation 1300698 (VCV001300698.3), dbSNP rs2102592807, ClinGen allele CA2573051478.

ClinVar aggregate classification (germline): Conflicting classifications of pathogenicity. Review status: criteria provided, conflicting classifications (1 of 4 stars). 2 submissions from 2 submitters: Uncertain significance (1); Likely benign (1). Last evaluated 2025-11-26.

Conditions:
KCTD3-related disorder. Also called: KCTD3-related condition.

Allele frequency attached by ClinVar (database versions not stated): gnomAD exomes 0.00001.

Submissions (2):

PreventionGenetics, part of Exact Sciences
Classification: Likely benign for KCTD3-related condition. Last evaluated: 2025-11-26. Review status: criteria provided, single submitter. Criteria: ACMG Guidelines, 2015. Collection method: clinical testing. Allele origin: germline.
Comment: This variant is classified as likely benign based on ACMG/AMP sequence variant interpretation guidelines (Richards et al. 2015 PMID: 25741868, with internal and published modifications).

GeneDx
Classification: Uncertain significance. Last evaluated: 2021-04-13. Review status: criteria provided, single submitter. Criteria: GeneDx Variant Classification Process June 2021. Collection method: clinical testing. Allele origin: germline. Affected: yes.
Comment: Not observed in large population cohorts (Lek et al., 2016); Has not been previously published as pathogenic or benign to our knowledge; In-silico analysis, which includes splice predictors and evolutionary conservation, is inconclusive as to whether the variant alters gene splicing. In the absence of RNA/functional studies, the actual effect of this sequence change is unknown.